The following is an entry in ClinVar:

NM_000256.3(MYBPC3):c.1329T>C (p.Cys443=)

Gene: MYBPC3 (myosin binding protein C3; minus strand). Cytogenetic location: 11p11.2.
Variant type: single nucleotide variant.
Coding change: c.1329T>C on transcript NM_000256.3 (MANE Select); coding-DNA position 1329, T replaced by C.
Protein change: p.Cys443=; no amino-acid change (cysteine 443 retained).
Molecular consequence: synonymous variant.
Genome position (GRCh38, 1-based): chr11:47,343,043, A>G on the plus strand (T>C on the coding strand, the complement: MYBPC3 is on the minus strand). VCF-style: chr11-47343043-A-G. GRCh37 (hg19) VCF-style: chr11-47364594-A-G.
Identifiers: ClinVar variation 2002135 (VCV002002135.4), dbSNP rs2495764042, ClinGen allele CA474429518.
Genomic context (GRCh38, chr11:47,343,043, plus strand): 5'-CCTCCCCAGGTTCCCACATCCTCAGGTCCCAGGCCCACCTTTCACAAAGAGCTCCGTGCT[A>G]CACTTCTCGCCACCCACCACGCACTGGTAGGCTGCGTCGTCCGCCAATGAGCACTGGCTG-3'
Protein context (NP_000247.2, residues 433-453): AYQCVVGGEK[Cys443=]STELFVKEPP

ClinVar aggregate classification (germline): Uncertain significance (1 of 4 stars; one submission).

Conditions:
Hypertrophic cardiomyopathy. Also called: HYPERTROPHIC MYOCARDIOPATHY. Identifiers: Orphanet 217569, MedGen C0007194, MeSH D002312, MONDO:0005045, HP:0001639.

Submission:

Labcorp Genetics (formerly Invitae), Labcorp
Classification: Uncertain significance for Hypertrophic cardiomyopathy. Last evaluated: 2022-06-03. Review status: criteria provided, single submitter. Criteria: Invitae Variant Classification Sherloc (09022015). Collection method: clinical testing. Allele origin: germline.
Comment: This variant is not present in population databases (gnomAD no frequency). In summary, the available evidence is currently insufficient to determine the role of this variant in disease. Therefore, it has been classified as a Variant of Uncertain Significance. Algorithms developed to predict the effect of sequence changes on RNA splicing suggest that this variant may disrupt the consensus splice site. This variant has not been reported in the literature in individuals affected with MYBPC3-related conditions. This sequence change affects codon 443 of the MYBPC3 mRNA. It is a 'silent' change, meaning that it does not change the encoded amino acid sequence of the MYBPC3 protein.